The following is an entry in ClinVar:

NM_004821.3(HAND1):c.66_73dup (p.Glu25fs)

Gene: HAND1 (heart and neural crest derivatives expressed 1; minus strand). Cytogenetic location: 5q33.2.
Variant type: Duplication.
Coding change: c.66_73dup on transcript NM_004821.3 (MANE Select); coding-DNA positions 66 to 73, 8 bases duplicated (GCTCCACG; older notation c.66_73dupGCTCCACG).
Protein change: p.Glu25fs; shifts the reading frame from glutamic acid 25.
Molecular consequence: frameshift variant.
Genome position (GRCh38, 1-based): chr5:154,477,936-154,477,943, CGTGGAGC duplicated on the plus strand (GCTCCACG on the coding strand, the reverse complement: HAND1 is on the minus strand). VCF-style (leftmost placement, unchanged base first): chr5-154477935-T-TCGTGGAGC. GRCh37 (hg19) VCF-style: chr5-153857495-T-TCGTGGAGC.
Other names: short protein forms E25fs.
Identifiers: ClinVar variation 1512605 (VCV001512605.6), dbSNP rs1193545616, ClinGen allele CA805959617.

ClinVar aggregate classification (germline): Uncertain significance (1 of 4 stars; one submission).

Conditions:
Hypoplastic left heart syndrome. Also called: Hypoplastic left ventricle; Hypoplastic left heart. Identifiers: Orphanet 2248, MedGen C0152101, MONDO:0004933, HP:0004383.

Allele frequency attached by ClinVar (database versions not stated): TOPMed 0.00001.

Submission:

Labcorp Genetics (formerly Invitae), Labcorp
Classification: Uncertain significance for Hypoplastic left heart syndrome. Last evaluated: 2022-07-19. Review status: criteria provided, single submitter. Criteria: Invitae Variant Classification Sherloc (09022015). Collection method: clinical testing. Allele origin: germline.
Comment: This sequence change creates a premature translational stop signal (p.Glu25Glyfs*26) in the HAND1 gene. It is expected to result in an absent or disrupted protein product. However, the current clinical and genetic evidence is not sufficient to establish whether loss-of-function variants in HAND1 cause disease. In summary, the available evidence is currently insufficient to determine the role of this variant in disease. Therefore, it has been classified as a Variant of Uncertain Significance. ClinVar contains an entry for this variant (Variation ID: 1512605). This variant has not been reported in the literature in individuals affected with HAND1-related conditions. This variant is not present in population databases (gnomAD no frequency).